The following is an entry in ClinVar:

NM_024809.5(TCTN2):c.1873_1874del (p.Gln625fs)

Gene: TCTN2 (tectonic family member 2; plus strand). Cytogenetic location: 12q24.31.
Variant type: Microsatellite.
Coding change: c.1873_1874del on transcript NM_024809.5 (MANE Select); coding-DNA positions 1873 to 1874, 2 bases deleted (CA; older notation c.1873_1874delCA).
Protein change: p.Gln625fs; shifts the reading frame from glutamine 625.
Molecular consequence: frameshift variant.
Genome position (GRCh38, 1-based): chr12:123,706,829-123,706,830, CA deleted; deleting any 2 consecutive bases within chr12:123,706,827-123,706,830 gives the same sequence; the c. name uses the placement nearest the transcript's 3' end. VCF-style (leftmost placement, unchanged base first): chr12-123706826-GCA-G. GRCh37 (hg19) VCF-style: chr12-124191373-GCA-G.
Other names: c.1870_1871del, p.Gln624fs (NM_001143850.3); short protein forms Q624fs, Q625fs.
Identifiers: ClinVar variation 1410878 (VCV001410878.6), dbSNP rs1025526121, ClinGen allele CA245171237.
Genomic context (GRCh38, chr12:123,706,826, plus strand): 5'-TGTGAGCACAAGGCCGACCTTCTCCCTATCAGTGCATCCGTCCAGTTTATTAAAATTCCT[GCA>G]CAGTTACCCCACCCCCTGACAAGGTACTCCAGTTGCTCACCTAGTTGACATTAGGAAGCA-3'

ClinVar aggregate classification (germline): Pathogenic (1 of 4 stars; one submission).

Conditions:
Joubert syndrome. Also called: CEREBELLOPARENCHYMAL DISORDER IV; JOUBERT-BOLTSHAUSER SYNDROME; Familial aplasia of the vermis. Identifiers: Orphanet 475, MedGen C5979921, MONDO:0018772.
Meckel-Gruber syndrome. Also called: DYSENCEPHALIA SPLANCHNOCYSTICA; GRUBER SYNDROME; Dysencephalia splachnocystica. Identifiers: Orphanet 564, MedGen C0265215, MONDO:0018921.

Submission:

Labcorp Genetics (formerly Invitae), Labcorp
Classification: Pathogenic for Joubert syndrome; Meckel-Gruber syndrome. Last evaluated: 2024-02-24. Review status: criteria provided, single submitter. Criteria: Invitae Variant Classification Sherloc (09022015). Collection method: clinical testing. Allele origin: germline.
Comment: This sequence change creates a premature translational stop signal (p.Gln625Valfs*16) in the TCTN2 gene. It is expected to result in an absent or disrupted protein product. Loss-of-function variants in TCTN2 are known to be pathogenic (PMID: 21565611). This variant is not present in population databases (gnomAD no frequency). This variant has not been reported in the literature in individuals affected with TCTN2-related conditions. For these reasons, this variant has been classified as Pathogenic.

Literature cited by the submitters: PubMed 21565611.